The following is an entry in ClinVar:

ClinVar aggregate classification (germline): Uncertain significance (1 of 4 stars; one submission).

Conditions:
Developmental and epileptic encephalopathy, 30 (DEE30). Also called: Epileptic encephalopathy, early infantile, 30. Identifiers: MedGen C4225360, MONDO:0014595, OMIM 616341.

Submission:

Labcorp Genetics (formerly Invitae), Labcorp
Classification: Uncertain significance for Developmental and epileptic encephalopathy, 30. Last evaluated: 2026-01-28. Review status: criteria provided, single submitter. Criteria: Invitae Variant Classification Sherloc (09022015). Collection method: clinical testing. Allele origin: germline.
Comment: This sequence change replaces aspartic acid, which is acidic and polar, with asparagine, which is neutral and polar, at codon 305 of the SIK1 protein (p.Asp305Asn). This variant is present in population databases (rs144214218, gnomAD 0.004%). This variant has not been reported in the literature in individuals affected with SIK1-related conditions. ClinVar contains an entry for this variant (Variation ID: 856048). An algorithm developed to predict the effect of missense changes on protein structure and function outputs the following: PolyPhen-2: "Benign". The asparagine amino acid residue is found in multiple mammalian species, which suggests that this missense change does not adversely affect protein function. In summary, the available evidence is currently insufficient to determine the role of this variant in disease. Therefore, it has been classified as a Variant of Uncertain Significance.

NM_173354.5(SIK1):c.913G>A (p.Asp305Asn)

Gene: SIK1 (salt inducible kinase 1; minus strand). Cytogenetic location: 21q22.3.
Variant type: single nucleotide variant.
Coding change: c.913G>A on transcript NM_173354.5 (MANE Select); coding-DNA position 913, G replaced by A.
Protein change: p.Asp305Asn; replaces aspartic acid 305 with asparagine.
Molecular consequence: missense variant.
Genome position (GRCh38, 1-based): chr21:43,420,293, C>T on the plus strand (G>A on the coding strand, the complement: SIK1 is on the minus strand). VCF-style: chr21-43420293-C-T. GRCh37 (hg19) VCF-style: chr21-44840173-C-T.
Other names: short protein forms D305N.
Identifiers: ClinVar variation 856048 (VCV000856048.10), dbSNP rs144214218, ClinGen allele CA321326745.